The following is an entry in ClinVar:

ClinVar aggregate classification (germline): Uncertain significance. Review status: criteria provided, multiple submitters, no conflicts (2 of 4 stars). 5 submissions from 5 submitters: Uncertain significance (5). Last evaluated 2025-08-20.

Conditions:
Cardiovascular phenotype. Identifiers: MedGen CN230736.
Dilated cardiomyopathy 1KK (CMD1KK). Identifiers: Orphanet 154, Orphanet 75249, MedGen C3714995, MONDO:0014100, OMIM 615248.
MYPN-related myopathy (CMYO24). Also called: Nemaline myopathy 11, autosomal recessive. Identifiers: MedGen C4479186, MONDO:0015023, OMIM 617336.

Allele frequency attached by ClinVar (database versions not stated): gnomAD 0.00001; ExAC 0.00002; gnomAD exomes 0.00002 and 0.00009; TOPMed 0.00002.
gnomAD v4.1: 126 of 1,612,646 alleles (0.0078%); highest among the groups gnomAD compares: Non-Finnish European, 0.01%; no homozygotes.

Submissions (5):

Ambry Genetics
Classification: Uncertain significance for Cardiovascular phenotype. Last evaluated: 2025-08-20. Review status: criteria provided, single submitter. Criteria: Ambry Variant Classification Scheme 2023. Collection method: clinical testing. Allele origin: germline.
Comment: The p.A238T variant (also known as c.712G>A), located in coding exon 1 of the MYPN gene, results from a G to A substitution at nucleotide position 712. The alanine at codon 238 is replaced by threonine, an amino acid with similar properties. This amino acid position is not well conserved in available vertebrate species, and threonine is the reference amino acid in other vertebrate species. In addition, this alteration is predicted to be tolerated by in silico analysis. Since supporting evidence is limited at this time, the clinical significance of this alteration remains unclear.

Women's Health and Genetics/Laboratory Corporation of America, LabCorp
Classification: Uncertain significance. Last evaluated: 2024-02-28. Review status: criteria provided, single submitter. Criteria: LabCorp Variant Classification Summary - May 2015. Collection method: clinical testing. Allele origin: germline.
Comment: Variant summary: MYPN c.712G>A (p.Ala238Thr) results in a non-conservative amino acid change in the encoded protein sequence. Four of five in-silico tools predict a benign effect of the variant on protein function. The variant allele was found at a frequency of 2.4e-05 in 250690 control chromosomes. The available data on variant occurrences in the general population are insufficient to allow any conclusion about variant significance. To our knowledge, no occurrence of c.712G>A in individuals affected with Cardiomyopathy and no experimental evidence demonstrating its impact on protein function have been reported. ClinVar contains an entry for this variant (Variation ID: 518978). Based on the evidence outlined above, the variant was classified as uncertain significance.

Labcorp Genetics (formerly Invitae), Labcorp
Classification: Uncertain significance for Dilated cardiomyopathy 1KK. Last evaluated: 2022-08-15. Review status: criteria provided, single submitter. Criteria: Invitae Variant Classification Sherloc (09022015). Collection method: clinical testing. Allele origin: germline.
Comment: This sequence change replaces alanine, which is neutral and non-polar, with threonine, which is neutral and polar, at codon 238 of the MYPN protein (p.Ala238Thr). This variant is present in population databases (rs755212697, gnomAD 0.006%). This variant has not been reported in the literature in individuals affected with MYPN-related conditions. ClinVar contains an entry for this variant (Variation ID: 518978). Algorithms developed to predict the effect of missense changes on protein structure and function (SIFT, PolyPhen-2, Align-GVGD) all suggest that this variant is likely to be tolerated. In summary, the available evidence is currently insufficient to determine the role of this variant in disease. Therefore, it has been classified as a Variant of Uncertain Significance.

Fulgent Genetics
Classification: Uncertain significance for Dilated cardiomyopathy 1KK; MYPN-related myopathy. Last evaluated: 2021-10-20. Review status: criteria provided, single submitter. Criteria: ACMG Guidelines, 2015. Collection method: clinical testing. Allele origin: unknown.

GeneDx
Classification: Uncertain significance. Last evaluated: 2021-05-05. Review status: criteria provided, single submitter. Criteria: GeneDx Variant Classification Process June 2021. Collection method: clinical testing. Allele origin: germline. Affected: yes.
Comment: Has not been previously published as pathogenic or benign to our knowledge; In silico analysis supports that this missense variant does not alter protein structure/function; Reported in ClinVar as a variant of uncertain significance (ClinVar Variant ID# 518978; Landrum et al., 2016)

NM_032578.4(MYPN):c.712G>A (p.Ala238Thr)

Gene: MYPN (myopalladin; plus strand). Cytogenetic location: 10q21.3.
Variant type: single nucleotide variant.
Coding change: c.712G>A on transcript NM_032578.4 (MANE Select); coding-DNA position 712, G replaced by A.
Protein change: p.Ala238Thr; replaces alanine 238 with threonine.
Molecular consequence: missense variant. On other transcripts: 5 prime UTR variant (1), non-coding transcript variant (1).
Genome position (GRCh38, 1-based): chr10:68,122,150, G>A. VCF-style: chr10-68122150-G-A. GRCh37 (hg19) VCF-style: chr10-69881907-G-A.
Other names: c.712G>A, p.Ala238Thr (NM_001256267.2); c.-411G>A (NM_001256268.2); short protein forms A238T.
Identifiers: ClinVar variation 518978 (VCV000518978.20), dbSNP rs755212697, ClinGen allele CA5522314.